The following is an entry in ClinVar:

NM_152564.5(VPS13B):c.10654_10670del (p.Arg3552fs)

Gene: VPS13B (vacuolar protein sorting 13 homolog B; plus strand). Cytogenetic location: 8q22.2.
Variant type: Deletion.
Coding change: c.10654_10670del on transcript NM_152564.5 (MANE Select); coding-DNA positions 10654 to 10670, 17 bases deleted (AGGGCCTTGGTGAATCC).
Protein change: p.Arg3552fs; shifts the reading frame from arginine 3552.
Molecular consequence: frameshift variant.
Genome position (GRCh38, 1-based): chr8:99,854,043-99,854,059, AGGGCCTTGGTGAATCC deleted; deleting any 17 consecutive bases within chr8:99,854,041-99,854,059 gives the same sequence; the c. name uses the placement nearest the transcript's 3' end. VCF-style (leftmost placement, unchanged base first): chr8-99854040-GCCAGGGCCTTGGTGAAT-G. GRCh37 (hg19) VCF-style: chr8-100866268-GCCAGGGCCTTGGTGAAT-G.
Other names: c.10729_10745del17, p.Arg3577Cysfs (NM_017890.4); c.10729_10745del, p.Arg3577fs (NM_017890.5); short protein forms R3552fs, R3577fs.
Identifiers: ClinVar variation 4815922 (VCV004815922.1).
Genomic context (GRCh38, chr8:99,854,040, plus strand): 5'-GGTCACTCCACACACCTCTCCGGGGGTAAACAGGTGTTGCCCATGCAGGTCACACAGCAC[GCCAGGGCCTTGGTGAAT>G]CCTGTGAAGTTACGGAAACTGGTGATCCAGCCAGTAAATTTGCTCGTCAGCATCCACGCT-3'

ClinVar aggregate classification (germline): Likely pathogenic (1 of 4 stars; one submission).

Conditions:
Cohen syndrome (COH1). Also called: PEPPER SYNDROME; Cutis verticis gyrata, retinitis pigmentosa, and sensorineural deafness. Identifiers: Orphanet 193, MedGen C0265223, MONDO:0008999, OMIM 216550.

Submission:

Natera, Inc.
Classification: Likely pathogenic for Cohen syndrome. Last evaluated: 2024-08-14. Review status: criteria provided, single submitter. Criteria: Natera Variant Classification Schema (03/2026). Collection method: clinical testing. Allele origin: germline.
Comment: The c.10729_10745del variant in VPS13B is a frameshift variant predicted to shift the reading frame beginning at codon 3577 and leads to a stop codon 38 codons downstream. This variant is expected to result in nonsense mediated decay, truncation, or a dysfunctional protein product. This variant is rare in the general population with a frequency below the threshold expected for the associated phenotype(s). Given the available evidence, this variant is classified as Likely Pathogenic.